The following is an entry in ClinVar:

NM_080860.4(RSPH1):c.907A>G (p.Arg303Gly)

Gene: RSPH1 (radial spoke head component 1; minus strand). Cytogenetic location: 21q22.3.
Variant type: single nucleotide variant.
Coding change: c.907A>G on transcript NM_080860.4 (MANE Select); coding-DNA position 907, A replaced by G.
Protein change: p.Arg303Gly; replaces arginine 303 with glycine.
Molecular consequence: missense variant.
Genome position (GRCh38, 1-based): chr21:42,472,841, T>C on the plus strand (A>G on the coding strand, the complement: RSPH1 is on the minus strand). VCF-style: chr21-42472841-T-C. GRCh37 (hg19) VCF-style: chr21-43892951-T-C.
Other names: c.793A>G, p.Arg265Gly (NM_001286506.2); short protein forms R303G, R265G.
Identifiers: ClinVar variation 408126 (VCV000408126.29), dbSNP rs150629342, ClinGen allele CA10043694.

ClinVar aggregate classification (germline): Conflicting classifications of pathogenicity. Review status: criteria provided, conflicting classifications (1 of 4 stars). 5 submissions from 5 submitters: Uncertain significance (3); Likely benign (1). 1 of the submissions does not count toward it. Last evaluated 2026-01-15.

Conditions:
Primary ciliary dyskinesia 24 (CILD24). Also called: CILIARY DYSKINESIA, PRIMARY, 24, WITHOUT SITUS INVERSUS. Identifiers: Orphanet 244, MedGen C3809634, MONDO:0014202, OMIM 615481.
RSPH1-related disorder. Also called: RSPH1-related condition.
Inborn genetic diseases. Identifiers: MedGen C0950123, MeSH D030342.
Primary ciliary dyskinesia. Also called: Ciliary dyskinesia. Identifiers: Orphanet 244, MedGen C0008780, MONDO:0016575, HP:0012265.

Allele frequency attached by ClinVar (database versions not stated): 1000 Genomes Project 30x 0.00078; gnomAD 0.00079 and 0.00072; gnomAD exomes 0.00087 and 0.00120; 1000 Genomes Project 0.00100; ExAC 0.00103; ESP Exome Variant Server 0.00131; TOPMed 0.00051.
gnomAD v4.1: 1,837 of 1,609,748 alleles (0.11%); highest among the groups gnomAD compares: South Asian, 0.22%; 7 homozygotes.

Submissions (5):

Labcorp Genetics (formerly Invitae), Labcorp
Classification: Likely benign for Primary ciliary dyskinesia. Last evaluated: 2026-01-15. Review status: criteria provided, single submitter. Criteria: Invitae Variant Classification Sherloc (09022015). Collection method: clinical testing. Allele origin: germline.

Ambry Genetics
Classification: Uncertain significance for Inborn genetic diseases. Last evaluated: 2025-01-26. Review status: criteria provided, single submitter. Criteria: Ambry Variant Classification Scheme 2023. Collection method: clinical testing. Allele origin: germline.

Genetics and Molecular Pathology, SA Pathology
Classification: Uncertain significance for Primary ciliary dyskinesia. Last evaluated: 2019-10-17. Review status: criteria provided, single submitter. Criteria: ACMG Guidelines, 2015. Collection method: clinical testing. Allele origin: germline. Inheritance: Autosomal recessive inheritance. Affected: yes.

Baylor Genetics
Classification: Uncertain significance for Primary ciliary dyskinesia 24. Last evaluated: 2018-05-11. Review status: criteria provided, single submitter. Criteria: ACMG Guidelines, 2015. Collection method: clinical testing. Allele origin: unknown. Affected: yes.
Comment: This variant was determined to be of uncertain significance according to ACMG Guidelines, 2015 [PMID:25741868].

PreventionGenetics, part of Exact Sciences
Classification: Likely benign for RSPH1-related condition. Last evaluated: 2024-04-18. Review status: no assertion criteria provided. Collection method: clinical testing. Allele origin: germline. Not counted in ClinVar's aggregate classification.
Comment: This variant is classified as likely benign based on ACMG/AMP sequence variant interpretation guidelines (Richards et al. 2015 PMID: 25741868, with internal and published modifications).